The following continues an entry in ClinVar:

NM_001041.4(SI):c.3218G>A (p.Gly1073Asp)

Gene: SI. ClinVar aggregate classification (germline): Conflicting classifications of pathogenicity. Pathogenic (5); Likely pathogenic (15); Uncertain significance (2).

Submissions 11 to 26 of 26:

Labcorp Genetics (formerly Invitae), Labcorp
Classification: Uncertain significance. Last evaluated: 2022-09-20. Review status: criteria provided, single submitter. Criteria: Invitae Variant Classification Sherloc (09022015). Collection method: clinical testing. Allele origin: germline.
Comment: This sequence change replaces glycine, which is neutral and non-polar, with aspartic acid, which is acidic and polar, at codon 1073 of the SI protein (p.Gly1073Asp). This variant is present in population databases (rs121912616, gnomAD 0.2%), including at least one homozygous and/or hemizygous individual. This missense change has been observed in individual(s) with clinical features of congenital sucrase isomaltase deficiency (CSID) and has been described as one of the four variants commonly observed in individuals of European ancestry diagnosed with CSID (PMID: 16329100, 23103650, 28062276). It has also been observed to segregate with disease in related individuals. ClinVar contains an entry for this variant (Variation ID: 1419). Advanced modeling of protein sequence and biophysical properties (such as structural, functional, and spatial information, amino acid conservation, physicochemical variation, residue mobility, and thermodynamic stability) has been performed at Invitae for this missense variant, however the output from this modeling did not meet the statistical confidence thresholds required to predict the impact of this variant on SI protein function. Experimental studies have shown that this missense change affects SI function (PMID: 19121318). In summary, the available evidence is currently insufficient to determine the role of this variant in disease. Therefore, it has been classified as a Variant of Uncertain Significance.

Fulgent Genetics
Classification: Likely pathogenic for Sucrase-isomaltase deficiency. Last evaluated: 2021-06-30. Review status: criteria provided, single submitter. Criteria: ACMG Guidelines, 2015. Collection method: clinical testing. Allele origin: unknown.
Comment: This variant has been detected in individual(s) who were sent for testing of Renasight - kidney gene panel.

Baylor Genetics
Classification: Likely pathogenic for Sucrase-isomaltase deficiency. Last evaluated: 2021-05-24. Review status: criteria provided, single submitter. Criteria: ACMG Guidelines, 2015. Collection method: clinical testing. Allele origin: unknown.

Victorian Clinical Genetics Services, Murdoch Childrens Research Institute
Classification: Pathogenic for Sucrase-isomaltase deficiency. Last evaluated: 2021-05-06. Review status: criteria provided, single submitter. Criteria: ACMG Guidelines, 2015. Collection method: clinical testing. Allele origin: germline. Affected: no.
Comment: Based on the classification scheme VCGS_Germline_v1.3.4, this variant is classified as Pathogenic. Following criteria are met: 0102 - Loss of function is a known mechanism of disease in this gene and is associated with congenital sucrase-isomaltase deficiency (CSID) (MIM#222900). (I) 0108 - This gene is associated with both recessive and dominant disease. While CSID is more commonly associated with autosomal recessive, heterozygous carriers have been reported to present with a milder phenotype (PMID: 31557950). (I) 0200 - Variant is predicted to result in a missense amino acid change from glycine to aspartic acid. (I) 0251 - This variant is heterozygous. (I) 0304 - Variant is present in gnomAD <0.01 for a recessive condition (v2: 352 heterozygotes, 0 homozygotes). (SP) 0502 - Missense variant with conflicting in silico predictions and uninformative conservation. (I) 0600 - Variant is located in the annotated sucrase domain (Uniprot, PMID: 23103650). (I) 0801 - This variant has strong previous evidence of pathogenicity in unrelated individuals. It has been reported in at least ten CSID patients, both in biallelic and heterozygous states (PMID: 16329100, 23103650, 33567694; ClinVar). (SP) 1002 - This variant has moderate functional evidence supporting abnormal protein function. In vitro studies demonstrated misfolding of the mutant protein, preventing its exit from the endoplasmic reticulum. In addition, it had markedly reduced sucrase and isomaltase enzymatic activities (PMID: 19121318). (I) Legend: (SP) - Supporting pathogenic, (I) - Information, (SB) - Supporting benign

Greenwood Genetic Center Diagnostic Laboratories, Greenwood Genetic Center
Classification: Likely pathogenic. Last evaluated: 2021-01-19. Review status: criteria provided, single submitter. Criteria: ACMG Guidelines, 2015. Collection method: clinical testing. Allele origin: germline. Affected: yes.
Comment: PS3, PM3

Revvity Omics, Revvity
Classification: Likely pathogenic for Sucrase-isomaltase deficiency. Last evaluated: 2020-10-09. Review status: criteria provided, single submitter. Criteria: ACMG Guidelines, 2015. Collection method: clinical testing. Allele origin: germline.

Laboratory for Molecular Medicine, Mass General Brigham Personalized Medicine
Classification: Likely pathogenic for Sucrase-isomaltase deficiency. Last evaluated: 2020-04-14. Review status: criteria provided, single submitter. Criteria: LMM Criteria. Collection method: clinical testing. Allele origin: germline. Inheritance: Autosomal recessive inheritance. Observed: 1 variant allele.
Comment: The p.Gly1073Asp (NM_001041.3 c.3218G>A) variant in SI has been reported in at least 14 compound heterozygous or homozygous individuals with congenital sucrase-isomaltase deficiency, and segregated with disease in one affected sibling (Sander 2006 PMID: 16329100, UIhrich 2012 PMID: 23103650, Opekun 2016 PMID: 27579322). This variant has also been reported by other clinical laboratories in ClinVar (Variation ID 1419). It has also been identified in 0.23% (297/128400) of European chromosomes, including 2 homozygotes, by gnomAD, however, this frequency is low enough to be consistent with a recessive carrier frequency. Enzymatic studies conducted on patient samples suggest that the p.Gly1073Asp variant confers absence of sucrase activity (Opekun 2016 PMID: 27579322) and in vitro functional studies of the variant report an impact to protein folding along with reduced activity (Alfalah 2009 PMID: 19121318). Computational prediction tools and conservation analyses suggest that this variant may impact the protein, though this information is not predictive enough to determine pathogenicity. In summary, although additional studies are required to fully establish its clinical significance, the p.Gly1073Asp variant is likely pathogenic for sucrase-isomaltase deficiency in an autosomal recessive manner based upon biallelic occurrence in affected individuals, segregation data and functional evidence. ACMG/AMP Criteria applied: PM3_VeryStrong, PS3_Moderate, PP3, PP1.

Rady Children's Institute for Genomic Medicine, Rady Children's Hospital San Diego
Classification: Likely pathogenic for SUCRASE-ISOMALTASE DEFICIENCY, CONGENITAL. Last evaluated: 2019-10-02. Review status: criteria provided, single submitter. Criteria: ACMG Guidelines, 2015. Collection method: clinical testing. Allele origin: germline. Affected: yes.
Comment: This variant has been previously reported as a compound heterozygous change in patients with congenital sucrase-isomaltase deficiency (PMID: 16329100, 19121318, 23103650). Functional studies have demonstrated that the c.3218G>A (p.Gly1073Asp) variant results in protein misfolding, the inability of the protein to exit the endoplasmic reticulum, and reduced enzymatic activity (PMID: 19121318). In the gnomAD population database, this variant is present in the heterozygous state at a frequency of 0.13% (356/281,824) and is present in the homozygous state in two individuals. This variant has been reported in the ClinVar database (Variation ID: 1419). The c.3218G>A (p.Gly1073Asp) variant affects a highly conserved amino acid and is predicted by multiple in silico tools to have a deleterious effect on protein function. Based on the available evidence, the c.3218G>A (p.Gly1073Asp) variant is classified as Pathogenic.

Mendelics
Classification: Pathogenic for Sucrase-isomaltase deficiency. Last evaluated: 2019-05-28. Review status: criteria provided, single submitter. Criteria: Mendelics Assertion Criteria 2017. Collection method: clinical testing. Allele origin: unknown.

Genomic Research Center, Shahid Beheshti University of Medical Sciences
Classification: Uncertain significance for Sucrase-isomaltase deficiency. Last evaluated: 2019-04-27. Review status: criteria provided, single submitter. Criteria: ACMG Guidelines, 2015. Collection method: clinical testing. Allele origin: unknown. Affected: no.

Illumina Laboratory Services, Illumina
Classification: Pathogenic for Sucrase-isomaltase deficiency. Last evaluated: 2018-03-30. Review status: criteria provided, single submitter. Criteria: ICSL Variant Classification Criteria 09 May 2019. Collection method: clinical testing. Allele origin: germline.
Comment: The SI c.3218G>A (p.Gly1073Asp) missense variant has been identified in individuals with congenital sucrase-isomaltase deficiency (CSID), including in a compound heterozygous state in two individuals and in a heterozygous state in one individual in whom a second variant was not identified (Sander et al. 2006). Uhrich et al. (2012) identified the p.Gly1073Asp variant on 17/62 CSID individual alleles and indicated that at least 11 individuals carried the variant in a homozygous or compound heterozygous state. Control data was not available for the p.Gly1073Asp variant, which is reported at a frequency of 0.00233 in the European-American population of the Exome Sequencing Project. Functional studies using COS cells transfected with wild type or variant SI plasmids demonstrated that the p.Gly1073Asp variant prevents the SI protein from exiting the endoplasmic reticulum, and that the variant disrupts the folding and enzymatic activity of the essential sucrase and isomaltase domains (Alfalah et al. 2009). Based on the evidence, the p.Gly1073Asp variant is classified as pathogenic for congenital sucrase-isomaltase deficiency. This variant was observed by ICSL as part of a predisposition screen in an ostensibly healthy population.

Ambry Genetics
Classification: Pathogenic for Inborn genetic diseases. Last evaluated: 2017-10-04. Review status: criteria provided, single submitter. Criteria: Ambry exome assertion method (8-5-2015). Collection method: clinical testing. Allele origin: germline. Affected: yes. Observed: 1 variant allele.

Division of Human Genetics, Children's Hospital of Philadelphia
Classification: Pathogenic for Sucrase-isomaltase deficiency. Last evaluated: 2016-03-01. Review status: no assertion criteria provided. Collection method: research. Allele origin: maternal. Study: CSER-PediSeq. Not counted in ClinVar's aggregate classification.

OMIM
Classification: Pathogenic for SUCRASE-ISOMALTASE DEFICIENCY, CONGENITAL. Last evaluated: 2006-01-01. Review status: no assertion criteria provided. Collection method: literature only. Allele origin: germline. Not counted in ClinVar's aggregate classification.

Clinical Genetics DNA and cytogenetics Diagnostics Lab, Erasmus MC, Erasmus Medical Center
Classification: Likely pathogenic. Review status: no assertion criteria provided. Collection method: clinical testing. Allele origin: germline. Affected: yes. Study: VKGL Data-share Consensus. Not counted in ClinVar's aggregate classification.

Joint Genome Diagnostic Labs from Nijmegen and Maastricht, Radboudumc and MUMC+
Classification: Pathogenic. Review status: no assertion criteria provided. Collection method: clinical testing. Allele origin: germline. Affected: yes. Study: VKGL Data-share Consensus. Not counted in ClinVar's aggregate classification.

Literature cited by the submitters: PubMed 16329100 (cited by 9 submitters); PubMed 19121318 (cited by 9 submitters); PubMed 23103650 (cited by 7 submitters); PubMed 27579322 (cited by 3 submitters); PubMed 27872184 (cited by Mayo Clinic Laboratories, Mayo Clinic and Laboratory for Molecular Medicine, Mass General Brigham Personalized Medicine); PubMed 32732636 (cited by Mayo Clinic Laboratories, Mayo Clinic); PubMed 33567694 (cited by Mayo Clinic Laboratories, Mayo Clinic and Victorian Clinical Genetics Services, Murdoch Childrens Research Institute); PubMed 35985447 (cited by Mayo Clinic Laboratories, Mayo Clinic); PubMed 28062276 (cited by Women's Health and Genetics/Laboratory Corporation of America, LabCorp and Labcorp Genetics (formerly Invitae), Labcorp); PubMed 36007526 (cited by Women's Health and Genetics/Laboratory Corporation of America, LabCorp); PubMed 31557950 (cited by Victorian Clinical Genetics Services, Murdoch Childrens Research Institute); Sander, P., Alfalah, M., Keiser, M., Korponay-Szabo, I., Kovacs, J. B., Leeb, T., Naim, H. Y. Novel mutations in the human sucrase-isomaltase gene (SI) that cause congenital carbohydrate malabsorption. Hum. Mutat. 27: 119-only, 2006. (cited by OMIM).